The following is an entry in ClinVar:

NM_003954.5(MAP3K14):c.580C>T (p.Pro194Ser)

Gene: MAP3K14 (mitogen-activated protein kinase kinase kinase 14; minus strand). Cytogenetic location: 17q21.31.
Variant type: single nucleotide variant.
Coding change: c.580C>T on transcript NM_003954.5 (MANE Select); coding-DNA position 580, C replaced by T.
Protein change: p.Pro194Ser; replaces proline 194 with serine.
Molecular consequence: missense variant.
Genome position (GRCh38, 1-based): chr17:45,287,003, G>A on the plus strand (C>T on the coding strand, the complement: MAP3K14 is on the minus strand). VCF-style: chr17-45287003-G-A. GRCh37 (hg19) VCF-style: chr17-43364369-G-A.
Other names: short protein forms P194S.
Identifiers: ClinVar variation 1716045 (VCV001716045.6), dbSNP rs2509021455, ClinGen allele CA399889572.

ClinVar aggregate classification (germline): Uncertain significance (1 of 4 stars; one submission).

Conditions:
NIK deficiency. Also called: Primary immunodeficiency with multifaceted aberrant lymphoid immunity. Identifiers: Orphanet 447731, MedGen C5680065, MONDO:0018642.

Submission:

Labcorp Genetics (formerly Invitae), Labcorp
Classification: Uncertain significance for NIK deficiency. Last evaluated: 2022-08-10. Review status: criteria provided, single submitter. Criteria: Invitae Variant Classification Sherloc (09022015). Collection method: clinical testing. Allele origin: germline.
Comment: In summary, the available evidence is currently insufficient to determine the role of this variant in disease. Therefore, it has been classified as a Variant of Uncertain Significance. Experimental studies and prediction algorithms are not available or were not evaluated, and the functional significance of this variant is currently unknown. This variant has not been reported in the literature in individuals affected with MAP3K14-related conditions. This variant is not present in population databases (gnomAD no frequency). This sequence change replaces proline, which is neutral and non-polar, with serine, which is neutral and polar, at codon 194 of the MAP3K14 protein (p.Pro194Ser).